The following is an entry in ClinVar:

ClinVar aggregate classification (germline): Uncertain significance. Review status: criteria provided, multiple submitters, no conflicts (2 of 4 stars). 2 submissions from 2 submitters: Uncertain significance (2). Last evaluated 2025-12-01.

Submissions (2):

CeGaT Center for Human Genetics Tuebingen
Classification: Uncertain significance. Last evaluated: 2025-12-01. Review status: criteria provided, single submitter. Criteria: CeGaT Center For Human Genetics Tuebingen Variant Classification Criteria Version 2. Collection method: clinical testing. Allele origin: germline. Affected: yes. Observed: 1 variant allele.
Comment: TBCD: PM2, BP4

Labcorp Genetics (formerly Invitae), Labcorp
Classification: Uncertain significance. Last evaluated: 2024-08-01. Review status: criteria provided, single submitter. Criteria: Invitae Variant Classification Sherloc (09022015). Collection method: clinical testing. Allele origin: germline.
Comment: This sequence change replaces glycine, which is neutral and non-polar, with arginine, which is basic and polar, at codon 357 of the TBCD protein (p.Gly357Arg). This variant is present in population databases (rs371384888, gnomAD 0.03%). This variant has not been reported in the literature in individuals affected with TBCD-related conditions. Advanced modeling of protein sequence and biophysical properties (such as structural, functional, and spatial information, amino acid conservation, physicochemical variation, residue mobility, and thermodynamic stability) performed at Invitae indicates that this missense variant is not expected to disrupt TBCD protein function with a negative predictive value of 80%. In summary, the available evidence is currently insufficient to determine the role of this variant in disease. Therefore, it has been classified as a Variant of Uncertain Significance.

NM_005993.5(TBCD):c.1069G>C (p.Gly357Arg)

Gene: TBCD (tubulin folding cofactor D). Cytogenetic location: 17q25.3.
Variant type: single nucleotide variant.
Coding change: c.1069G>C on transcript NM_005993.5 (MANE Select); coding-DNA position 1069, G replaced by C.
Protein change: p.Gly357Arg; replaces glycine 357 with arginine.
Molecular consequence: missense variant.
Genome position (GRCh38, 1-based): chr17:82,805,993, G>C. VCF-style: chr17-82805993-G-C. GRCh37 (hg19) VCF-style: chr17-80763869-G-C.
Other names: c.1018G>C, p.Gly340Arg (NM_001411101.1); c.1069G>C, p.Gly357Arg (NM_001411102.1); short protein forms G340R, G357R.
Identifiers: ClinVar variation 3716226 (VCV003716226.7).